The following is an entry in ClinVar:

NM_018124.4(RFWD3):c.1126dup (p.Ser376fs)

Gene: RFWD3 (ring finger and WD repeat domain 3; minus strand). Cytogenetic location: 16q23.1.
Variant type: Duplication.
Coding change: c.1126dup on transcript NM_018124.4 (MANE Select); coding-DNA position 1126, one base duplicated (T; older notation c.1126dupT).
Protein change: p.Ser376fs; shifts the reading frame from serine 376.
Molecular consequence: frameshift variant.
Genome position (GRCh38, 1-based): chr16:74,637,924, A duplicated on the plus strand (T on the coding strand, the reverse complement: RFWD3 is on the minus strand). VCF-style (leftmost placement, unchanged base first): chr16-74637923-G-GA. GRCh37 (hg19) VCF-style: chr16-74671821-G-GA.
Other names: c.1126dup, p.Ser376fs (NM_001370536.1, NM_001370534.1, NM_001370535.1); c.292dup, p.Ser98fs (NM_001370537.1, NM_001370539.1, NM_001370540.1 and 2 more transcripts); short protein forms S376fs, S98fs.
Identifiers: ClinVar variation 3623953 (VCV003623953.2).
Genomic context (GRCh38, chr16:74,637,923, plus strand): 5'-CGCCTTTGAAGCCTAGTGCACTTATCAGTGAGGACCTGCAGTTGGAGTCGGCACTGTGCT[G>GA]ATTCTAACTCGGCCTGTTTCCTTAGCATCTGTTCCTTCAGTAGGGAACTAGAGGGGGAAA-3'

ClinVar aggregate classification (germline): Uncertain significance (1 of 4 stars; one submission).

Submission:

Labcorp Genetics (formerly Invitae), Labcorp
Classification: Uncertain significance. Last evaluated: 2024-02-10. Review status: criteria provided, single submitter. Criteria: Invitae Variant Classification Sherloc (09022015). Collection method: clinical testing. Allele origin: germline.
Comment: This sequence change creates a premature translational stop signal (p.Ser376Phefs*13) in the RFWD3 gene. It is expected to result in an absent or disrupted protein product. However, the current clinical and genetic evidence is not sufficient to establish whether loss-of-function variants in RFWD3 cause disease. This variant is present in population databases (rs758012188, gnomAD 0.002%). This variant has not been reported in the literature in individuals affected with RFWD3-related conditions. In summary, the available evidence is currently insufficient to determine the role of this variant in disease. Therefore, it has been classified as a Variant of Uncertain Significance.